The following is an entry in ClinVar:

ClinVar aggregate classification (germline): Benign/Likely benign. Review status: criteria provided, multiple submitters, no conflicts (2 of 4 stars). 2 submissions from 2 submitters: Benign (1); Likely benign (1). Last evaluated 2025-02-28.

Conditions:
Mitochondrial complex II deficiency, nuclear type 1. Also called: SUCCINATE CoQ REDUCTASE DEFICIENCY. Identifiers: Orphanet 3208, MedGen C5700310, MONDO:0100294, OMIM 252011.
Pheochromocytoma/paraganglioma syndrome 5. Also called: Paragangliomas 5; SDHA-Related Hereditary Paraganglioma-Pheochromocytoma Syndrome. Identifiers: Orphanet 29072, MedGen C3279992, MONDO:0013602, OMIM 614165.

Submissions (2):

Myriad Genetics, Inc.
Classification: Benign for Pheochromocytoma/paraganglioma syndrome 5. Last evaluated: 2025-02-28. Review status: criteria provided, single submitter. Criteria: Myriad Autosomal Dominant, Autosomal Recessive and X-Linked Classification Criteria (2023). Collection method: clinical testing. Allele origin: unknown.
Comment: This variant is considered benign. This variant is a silent/synonymous amino acid change and it is not expected to impact splicing.

Labcorp Genetics (formerly Invitae), Labcorp
Classification: Likely benign for Pheochromocytoma/paraganglioma syndrome 5; Mitochondrial complex II deficiency, nuclear type 1. Last evaluated: 2022-05-31. Review status: criteria provided, single submitter. Criteria: Invitae Variant Classification Sherloc (09022015). Collection method: clinical testing. Allele origin: germline.

NM_004168.4(SDHA):c.132T>A (p.Ser44=)

Gene: SDHA (succinate dehydrogenase complex flavoprotein subunit A; plus strand). Cytogenetic location: 5p15.33.
Variant type: single nucleotide variant.
Coding change: c.132T>A on transcript NM_004168.4 (MANE Select); coding-DNA position 132, T replaced by A.
Protein change: p.Ser44=; no amino-acid change (serine 44 retained).
Molecular consequence: synonymous variant.
Genome position (GRCh38, 1-based): chr5:223,550, T>A. VCF-style: chr5-223550-T-A. GRCh37 (hg19) VCF-style: chr5-223665-T-A.
Other names: c.132T>A, p.Ser44= (NM_001294332.2, NM_001330758.2).
Identifiers: ClinVar variation 1968051 (VCV001968051.6), dbSNP rs2477280782, ClinGen allele CA442689983.
Genomic context (GRCh38, chr5:223,550, plus strand): 5'-AGTGTTGCAAACAGGAACCCGAGGTTTTCACTTCACTGTTGATGGGAACAAGAGGGCATC[T>A]GCTAAAGTTTCAGATTCCGTAAGTTCATGCTTTTTGTTCCATTATAAATGATTTTTTTGG-3'
Protein context (NP_004159.2, residues 34-54): HFTVDGNKRA[Ser44=]AKVSDSISAQ